The following is an entry in ClinVar:

ClinVar aggregate classification (germline): Uncertain significance (1 of 4 stars; one submission).

Conditions:
Inborn genetic diseases. Identifiers: MedGen C0950123, MeSH D030342.

Allele frequency attached by ClinVar (database versions not stated): TOPMed below 0.00001.

Submission:

Ambry Genetics
Classification: Uncertain significance for Inborn genetic diseases. Last evaluated: 2021-06-13. Review status: criteria provided, single submitter. Criteria: Ambry Variant Classification Scheme 2023. Collection method: clinical testing. Allele origin: germline.
Comment: The p.P456L variant (also known as c.1367C>T), located in coding exon 12 of the LRRK2 gene, results from a C to T substitution at nucleotide position 1367. The proline at codon 456 is replaced by leucine, an amino acid with similar properties. This amino acid position is conserved. In addition, the in silico prediction for this alteration is inconclusive. Since supporting evidence is limited at this time, the clinical significance of this alteration remains unclear.

NM_198578.4(LRRK2):c.1367C>T (p.Pro456Leu)

Gene: LRRK2 (leucine rich repeat kinase 2; plus strand). Cytogenetic location: 12q12.
Variant type: single nucleotide variant.
Coding change: c.1367C>T on transcript NM_198578.4 (MANE Select); coding-DNA position 1367, C replaced by T.
Protein change: p.Pro456Leu; replaces proline 456 with leucine.
Molecular consequence: missense variant.
Genome position (GRCh38, 1-based): chr12:40,257,326, C>T. VCF-style: chr12-40257326-C-T. GRCh37 (hg19) VCF-style: chr12-40651128-C-T.
Other names: short protein forms P456L.
Identifiers: ClinVar variation 1770952 (VCV001770952.2), dbSNP rs955434296, ClinGen allele CA235360626.